The following is an entry in ClinVar:

ClinVar aggregate classification (germline): Uncertain significance (1 of 4 stars; one submission).

Submission:

Mayo Clinic Laboratories, Mayo Clinic
Classification: Uncertain significance. Last evaluated: 2024-08-21. Review status: criteria provided, single submitter. Criteria: ACMG Guidelines, 2015. Collection method: clinical testing. Allele origin: germline. Observed: 1 variant allele.
Comment: BP4, PM2

NM_182760.4(SUMF1):c.140C>T (p.Ala47Val)

Genes: SUMF1 (sulfatase modifying factor 1; minus strand), LOC129936056 (ATAC-STARR-seq lymphoblastoid silent region 14016; plus strand). Cytogenetic location: 3p26.1.
Variant type: single nucleotide variant.
Coding change: c.140C>T on transcript NM_182760.4 (MANE Select); coding-DNA position 140, C replaced by T.
Protein change: p.Ala47Val; replaces alanine 47 with valine.
Molecular consequence: missense variant.
Genome position (GRCh38, 1-based): chr3:4,467,106, G>A on the plus strand (C>T on the coding strand, the complement: SUMF1 is on the minus strand). VCF-style: chr3-4467106-G-A. GRCh37 (hg19) VCF-style: chr3-4508790-G-A.
Other names: p.Ala47Val; c.140C>T, p.Ala47Val (NM_001164674.2, NM_001164675.2); short protein forms A47V.
Identifiers: ClinVar variation 3379446 (VCV003379446.1).
Genomic context (GRCh38, chr3:4,467,106, plus strand): 5'-GCGGCTGCCGAACTGCCATGGGCGCCAGGCCGCTGGGGCGTGCCGCAGCCGCAAGAACCC[G>A]CAAGGGACCCCGCGCCCGCACCGGTCCCGGCCTCCTGGCTCCCTGCCGCTCCACACAGCA-3'
Protein context (NP_877437.2, residues 37-57): AGTGAGAGSL[Ala47Val]GSCGCGTPQR